The following is an entry in ClinVar:

NC_000013.10:g.(?_100909829)_(101101579_?)del

Gene: PCCA (propionyl-CoA carboxylase subunit alpha; plus strand). Cytogenetic location: 13q32.3.
Variant type: Deletion.
Identifiers: ClinVar variation 2422801 (VCV002422801.4).

ClinVar aggregate classification (germline): Pathogenic (1 of 4 stars; one submission).

Conditions:
Propionic acidemia (PROP). Also called: GLYCINEMIA, KETOTIC; HYPERGLYCINEMIA WITH KETOACIDOSIS AND LEUKOPENIA; KETOTIC HYPERGLYCINEMIA. Identifiers: Orphanet 35, MedGen C0268579, MONDO:0011628, OMIM 606054, HP:0003571.

Submission:

Labcorp Genetics (formerly Invitae), Labcorp
Classification: Pathogenic for Propionic acidemia. Last evaluated: 2022-02-10. Review status: criteria provided, single submitter. Criteria: Invitae Variant Classification Sherloc (09022015). Collection method: clinical testing. Allele origin: germline.
Comment: For these reasons, this variant has been classified as Pathogenic. This variant has not been reported in the literature in individuals affected with PCCA-related conditions. This variant is a gross deletion of the genomic region encompassing exon(s) 9-21 of the PCCA gene. This deletion is out-of-frame, and is expected to create a premature termination codon and result in an absent or disrupted protein product. Loss-of-function variants in PCCA are known to be pathogenic (PMID: 15464417).

Literature cited by the submitters: PubMed 15464417.